The following is an entry in ClinVar:

ClinVar aggregate classification (germline): Likely pathogenic. Review status: reviewed by expert panel (3 of 4 stars). 5 submissions from 5 submitters: Likely pathogenic (1). 4 of the submissions do not count toward it. Last evaluated 2020-03-26.

Conditions:
Phenylketonuria (PKU). Also called: OLIGOPHRENIA PHENYLPYRUVICA; Phenylketonurias; FOLLING DISEASE; Phenylketonuria (PKU). Identifiers: Orphanet 716, MedGen C0031485, MONDO:0009861, OMIM 261600. Disease mechanism: loss of function.

Allele frequency attached by ClinVar (database versions not stated): gnomAD 0.00001; gnomAD exomes below 0.00001.
gnomAD v4.1: 2 of 1,613,824 alleles (0.00012%); highest among the groups gnomAD compares: South Asian, 0.0022%; no homozygotes.

Submissions (5):

ClinGen PAH Variant Curation Expert Panel
Classification: Likely pathogenic for Phenylketonuria. Last evaluated: 2020-03-26. Review status: reviewed by expert panel. Criteria: ClinGen PAH ACMG Specifications v1. Collection method: curation. Allele origin: germline. Inheritance: Autosomal recessive inheritance.
Comment: This variant was detected with p.Val230Ile (Likely pathogenic in ClinVar) (PM3; PMID: 31355225). The variant is absent from population databases (PM2). Computational evidence is conflicting. In summary, this variant meets criteria to be classified as likely pathogenic for PAH. PAH-specific ACMG/AMP criteria applied: PM2, PM3, PP4_Moderate.

Women's Health and Genetics/Laboratory Corporation of America, LabCorp
Classification: Likely pathogenic for Phenylketonuria. Last evaluated: 2025-10-31. Review status: criteria provided, single submitter. Criteria: LabCorp Variant Classification Summary - May 2015. Collection method: clinical testing. Allele origin: germline. Not counted in ClinVar's aggregate classification.
Comment: Variant summary: PAH c.1109A>G (p.Glu370Gly) results in a non-conservative amino acid change located in the Biopterin-dependent aromatic amino acid hydroxylase domain (IPR019774) of the encoded protein sequence. Algorithms developed to predict the effect of missense changes on protein structure and function all suggest that this variant is likely to be disruptive. The variant was absent in 251312 control chromosomes. The available data on variant occurrences in the general population are insufficient to allow any conclusion about variant significance. c.1109A>G has been observed in the presumed compound heterozygous state in individual(s) affected with Phenylalanine Hydroxylase Deficiency (Phenylketonuria) (example, Su_2019, Su_2024, Hillert_2020). These data indicate that the variant may be associated with disease. To our knowledge, no experimental evidence demonstrating an impact on protein function has been reported. The following publications have been ascertained in the context of this evaluation (PMID: 31355225, 39256839, 32668217). ClinVar contains an entry for this variant (Variation ID: 625290). Based on the evidence outlined above, the variant was classified as likely pathogenic.

Baylor Genetics
Classification: Likely pathogenic for Phenylketonuria. Last evaluated: 2023-08-28. Review status: criteria provided, single submitter. Criteria: ACMG Guidelines, 2015. Collection method: clinical testing. Allele origin: unknown. Not counted in ClinVar's aggregate classification.

Labcorp Genetics (formerly Invitae), Labcorp
Classification: Likely pathogenic for Phenylketonuria. Last evaluated: 2023-07-31. Review status: criteria provided, single submitter. Criteria: Invitae Variant Classification Sherloc (09022015). Collection method: clinical testing. Allele origin: germline. Not counted in ClinVar's aggregate classification.
Comment: ClinVar contains an entry for this variant (Variation ID: 625290). In summary, the available evidence is currently insufficient to determine the role of this variant in disease. Therefore, it has been classified as a Variant of Uncertain Significance. Algorithms developed to predict the effect of sequence changes on RNA splicing suggest that this variant may disrupt the consensus splice site. Advanced modeling of protein sequence and biophysical properties (such as structural, functional, and spatial information, amino acid conservation, physicochemical variation, residue mobility, and thermodynamic stability) performed at Invitae indicates that this missense variant is not expected to disrupt PAH protein function. This missense change has been observed in individual(s) with hyperphenylalaninemia (PMID: 31355225). This variant is not present in population databases (gnomAD no frequency). This sequence change replaces glutamic acid, which is acidic and polar, with glycine, which is neutral and non-polar, at codon 370 of the PAH protein (p.Glu370Gly).

Center for Molecular Medicine, Children’s Hospital of Fudan University
Classification: Pathogenic for Phenylketonuria. Last evaluated: 2019-03-08. Review status: no assertion criteria provided. Collection method: clinical testing. Allele origin: de novo. Affected: yes. Not counted in ClinVar's aggregate classification.

Literature cited by the submitters: PubMed 31355225 (cited by 3 submitters); PubMed 32668217 (cited by Women's Health and Genetics/Laboratory Corporation of America, LabCorp); PubMed 39256839 (cited by Women's Health and Genetics/Laboratory Corporation of America, LabCorp).

NM_000277.3(PAH):c.1109A>G (p.Glu370Gly)

Gene: PAH (phenylalanine hydroxylase; minus strand). Cytogenetic location: 12q23.2.
Variant type: single nucleotide variant.
Coding change: c.1109A>G on transcript NM_000277.3 (MANE Select); coding-DNA position 1109, A replaced by G.
Protein change: p.Glu370Gly; replaces glutamic acid 370 with glycine.
Molecular consequence: missense variant.
Genome position (GRCh38, 1-based): chr12:102,843,736, T>C on the plus strand (A>G on the coding strand, the complement: PAH is on the minus strand). VCF-style: chr12-102843736-T-C. GRCh37 (hg19) VCF-style: chr12-103237514-T-C.
Other names: c.1109A>G, p.Glu370Gly (NM_001354304.2); short protein forms E370G.
Identifiers: ClinVar variation 625290 (VCV000625290.13), dbSNP rs1592947508, ClinGen allele CA386493290.